The following is an entry in ClinVar:

ClinVar aggregate classification (germline): Likely benign. Review status: criteria provided, multiple submitters, no conflicts (2 of 4 stars). 5 submissions from 5 submitters: Likely benign (4). 1 of the submissions does not count toward it. Last evaluated 2025-10-12.

Conditions:
Cardiovascular phenotype. Identifiers: MedGen CN230736.
Brugada syndrome. Also called: Sudden Unexplained Death Syndrome; Sudden Unexplained Nocturnal Death Syndrome (SUNDS); Sudden unexpected nocturnal death syndrome; Sudden unexplained nocturnal death syndrome. Identifiers: Orphanet 130, MedGen C1142166, MONDO:0015263.
SCN10A-related disorder. Also called: SCN10A-related condition.

Allele frequency attached by ClinVar (database versions not stated): gnomAD 0.00010 and 0.00009; ExAC 0.00004; gnomAD exomes 0.00004; TOPMed 0.00006.
gnomAD v4.1: 65 of 1,614,022 alleles (0.004%); highest among the groups gnomAD compares: Middle Eastern, 0.099%; no homozygotes.

Submissions (5):

Labcorp Genetics (formerly Invitae), Labcorp
Classification: Likely benign for Brugada syndrome. Last evaluated: 2025-10-12. Review status: criteria provided, single submitter. Criteria: Invitae Variant Classification Sherloc (09022015). Collection method: clinical testing. Allele origin: germline.

Blueprint Genetics
Classification: Likely benign. Last evaluated: 2024-07-16. Review status: criteria provided, single submitter. Criteria: ACMG Guidelines, 2015. Collection method: clinical testing. Allele origin: germline.

Ambry Genetics
Classification: Likely benign for Cardiovascular phenotype. Last evaluated: 2020-10-03. Review status: criteria provided, single submitter. Criteria: Ambry Variant Classification Scheme 2023. Collection method: clinical testing. Allele origin: germline.

GeneDx
Classification: Likely benign. Last evaluated: 2018-04-06. Review status: criteria provided, single submitter. Criteria: GeneDx Variant Classification (06012015). Collection method: clinical testing. Allele origin: germline. Affected: yes.
Comment: This variant is considered likely benign or benign based on one or more of the following criteria: it is a conservative change, it occurs at a poorly conserved position in the protein, it is predicted to be benign by multiple in silico algorithms, and/or has population frequency not consistent with disease.

PreventionGenetics, part of Exact Sciences
Classification: Likely benign for SCN10A-related condition. Last evaluated: 2019-10-14. Review status: no assertion criteria provided. Collection method: clinical testing. Allele origin: germline. Not counted in ClinVar's aggregate classification.
Comment: This variant is classified as likely benign based on ACMG/AMP sequence variant interpretation guidelines (Richards et al. 2015 PMID: 25741868, with internal and published modifications).

NM_006514.4(SCN10A):c.4983C>T (p.Ala1661=)

Gene: SCN10A (sodium voltage-gated channel alpha subunit 10; minus strand). Cytogenetic location: 3p22.2.
Variant type: single nucleotide variant.
Coding change: c.4983C>T on transcript NM_006514.4 (MANE Select); coding-DNA position 4983, C replaced by T.
Protein change: p.Ala1661=; no amino-acid change (alanine 1661 retained).
Molecular consequence: synonymous variant.
Genome position (GRCh38, 1-based): chr3:38,698,237, G>A on the plus strand (C>T on the coding strand, the complement: SCN10A is on the minus strand). VCF-style: chr3-38698237-G-A. GRCh37 (hg19) VCF-style: chr3-38739728-G-A.
Other names: c.4980C>T, p.Ala1660= (NM_001293306.2); c.4689C>T, p.Ala1563= (NM_001293307.2).
Identifiers: ClinVar variation 681632 (VCV000681632.12), dbSNP rs775273379, ClinGen allele CA2319766.